The following is an entry in ClinVar:

NM_170606.3(KMT2C):c.11865C>T (p.Asp3955=)

Gene: KMT2C (lysine methyltransferase 2C; minus strand). Cytogenetic location: 7q36.1.
Variant type: single nucleotide variant.
Coding change: c.11865C>T on transcript NM_170606.3 (MANE Select); coding-DNA position 11865, C replaced by T.
Protein change: p.Asp3955=; no amino-acid change (aspartic acid 3955 retained).
Molecular consequence: synonymous variant.
Genome position (GRCh38, 1-based): chr7:152,156,005, G>A on the plus strand (C>T on the coding strand, the complement: KMT2C is on the minus strand). VCF-style: chr7-152156005-G-A. GRCh37 (hg19) VCF-style: chr7-151853090-G-A.
Identifiers: ClinVar variation 771420 (VCV000771420.42), dbSNP rs147168446, ClinGen allele CA4578947.

ClinVar aggregate classification (germline): Benign/Likely benign. Review status: criteria provided, multiple submitters, no conflicts (2 of 4 stars). 5 submissions from 5 submitters: Benign (4); Likely benign (1). Last evaluated 2026-09-01.

Conditions:
KMT2C-related disorder. Also called: KMT2C-related disorders; KMT2C-related condition.

Allele frequency attached by ClinVar (database versions not stated): gnomAD exomes 0.00043 and 0.00182; gnomAD 0.00106 and 0.00122; ExAC 0.00128; TOPMed 0.00151; 1000 Genomes Project 0.00220; 1000 Genomes Project 30x 0.00265; ESP Exome Variant Server 0.00008.
gnomAD v4.1: 801 of 1,607,990 alleles (0.05%); highest among the groups gnomAD compares: Admixed American, 1.2%; 3 homozygotes.

Submissions (5):

CeGaT Center for Human Genetics Tuebingen
Classification: Likely benign. Last evaluated: 2026-09-01. Review status: criteria provided, single submitter. Criteria: CeGaT Center For Human Genetics Tuebingen Variant Classification Criteria Version 2. Collection method: clinical testing. Allele origin: germline. Affected: yes. Observed: 14 variant alleles.
Comment: KMT2C: BP4, BP7, BS1

Labcorp Genetics (formerly Invitae), Labcorp
Classification: Benign. Last evaluated: 2026-01-09. Review status: criteria provided, single submitter. Criteria: Invitae Variant Classification Sherloc (09022015). Collection method: clinical testing. Allele origin: germline.

PreventionGenetics, part of Exact Sciences
Classification: Benign for KMT2C-related condition. Last evaluated: 2024-12-31. Review status: criteria provided, single submitter. Criteria: ACMG Guidelines, 2015. Collection method: clinical testing. Allele origin: germline.
Comment: This variant is classified as benign based on ACMG/AMP sequence variant interpretation guidelines (Richards et al. 2015 PMID: 25741868, with internal and published modifications).

Blueprint Genetics
Classification: Benign. Last evaluated: 2024-11-27. Review status: criteria provided, single submitter. Criteria: ACMG Guidelines, 2015. Collection method: clinical testing. Allele origin: germline.

Breakthrough Genomics
Classification: Benign. Review status: criteria provided, single submitter. Criteria: ACMG Guidelines, 2015. Collection method: not provided. Allele origin: germline. Inheritance: Autosomal dominant inheritance. Affected: yes.